The following is an entry in ClinVar:

ClinVar aggregate classification (germline): Likely benign. Review status: criteria provided, multiple submitters, no conflicts (2 of 4 stars). 4 submissions from 4 submitters: Likely benign (4). Last evaluated 2025-12-10.

Conditions:
SLC17A8-related disorder. Also called: SLC17A8-related condition.
Autosomal dominant nonsyndromic hearing loss 25. Identifiers: Orphanet 90635, MedGen C1854158, MONDO:0011568, OMIM 605583.

Allele frequency attached by ClinVar (database versions not stated): gnomAD 0.00007 and 0.00010; gnomAD exomes 0.00007 and 0.00030; TOPMed 0.00019; ExAC 0.00031; 1000 Genomes Project 0.00080; 1000 Genomes Project 30x 0.00094.

Submissions (4):

PreventionGenetics, part of Exact Sciences
Classification: Likely benign for SLC17A8-related condition. Last evaluated: 2025-12-10. Review status: criteria provided, single submitter. Criteria: ACMG Guidelines, 2015. Collection method: clinical testing. Allele origin: germline.
Comment: This variant is classified as likely benign based on ACMG/AMP sequence variant interpretation guidelines (Richards et al. 2015 PMID: 25741868, with internal and published modifications).

Labcorp Genetics (formerly Invitae), Labcorp
Classification: Likely benign. Last evaluated: 2025-01-23. Review status: criteria provided, single submitter. Criteria: Invitae Variant Classification Sherloc (09022015). Collection method: clinical testing. Allele origin: germline.

Fulgent Genetics
Classification: Likely benign for Autosomal dominant nonsyndromic hearing loss 25. Last evaluated: 2022-01-20. Review status: criteria provided, single submitter. Criteria: ACMG Guidelines, 2015. Collection method: clinical testing. Allele origin: unknown.

GeneDx
Classification: Likely benign. Last evaluated: 2021-05-30. Review status: criteria provided, single submitter. Criteria: GeneDx Variant Classification Process June 2021. Collection method: clinical testing. Allele origin: germline. Affected: yes.
Comment: This variant is associated with the following publications: (PMID: ZHANG2015[ChineseJournalofOtology], 33310157, 26797701)

NM_139319.3(SLC17A8):c.232A>G (p.Ile78Val)

Gene: SLC17A8 (solute carrier family 17 member 8; plus strand). Cytogenetic location: 12q23.1.
Variant type: single nucleotide variant.
Coding change: c.232A>G on transcript NM_139319.3 (MANE Select); coding-DNA position 232, A replaced by G.
Protein change: p.Ile78Val; replaces isoleucine 78 with valine.
Molecular consequence: missense variant.
Genome position (GRCh38, 1-based): chr12:100,380,831, A>G. VCF-style: chr12-100380831-A-G. GRCh37 (hg19) VCF-style: chr12-100774609-A-G.
Other names: c.232A>G, p.Ile78Val (NM_001145288.2); short protein forms I78V.
Identifiers: ClinVar variation 513749 (VCV000513749.13), dbSNP rs141811441, ClinGen allele CA6738707.